The following is an entry in ClinVar:

ClinVar aggregate classification (germline): Likely benign (1 of 4 stars; one submission).

Conditions:
PLXNA1-related disorder. Also called: PLXNA1-related condition.

Submission:

PreventionGenetics, part of Exact Sciences
Classification: Likely benign for PLXNA1-related condition. Last evaluated: 2026-09-01. Review status: criteria provided, single submitter. Criteria: ACMG Guidelines, 2015. Collection method: clinical testing. Allele origin: germline.
Comment: This variant is classified as likely benign based on ACMG/AMP sequence variant interpretation guidelines (Richards et al. 2015 PMID: 25741868, with internal and published modifications).

NM_032242.4(PLXNA1):c.5466G>A (p.Lys1822=)

Gene: PLXNA1 (plexin A1; plus strand). Cytogenetic location: 3q21.3.
Variant type: single nucleotide variant.
Coding change: c.5466G>A on transcript NM_032242.4 (MANE Select); coding-DNA position 5466, G replaced by A.
Protein change: p.Lys1822=; no amino-acid change (lysine 1822 retained).
Molecular consequence: synonymous variant.
Genome position (GRCh38, 1-based): chr3:127,032,707, G>A. VCF-style: chr3-127032707-G-A. GRCh37 (hg19) VCF-style: chr3-126751550-G-A.
Identifiers: ClinVar variation 4996671 (VCV004996671.1).